The following is an entry in ClinVar:

NM_020066.5(FMN2):c.3132G>A (p.Pro1044=)

Gene: FMN2 (formin 2; plus strand). Cytogenetic location: 1q43.
Variant type: single nucleotide variant.
Coding change: c.3132G>A on transcript NM_020066.5 (MANE Select); coding-DNA position 3132, G replaced by A.
Protein change: p.Pro1044=; no amino-acid change (proline 1044 retained).
Molecular consequence: synonymous variant. On other transcripts: intron variant (1).
Genome position (GRCh38, 1-based): chr1:240,207,944, G>A. VCF-style: chr1-240207944-G-A. GRCh37 (hg19) VCF-style: chr1-240371244-G-A.
Other names: c.3144G>A, p.Pro1048= (NM_001305424.2); c.1986+19682G>A (NM_001348094.2).
Identifiers: ClinVar variation 2640166 (VCV002640166.24), dbSNP rs200328010, ClinGen allele CA39905980.
Genomic context (GRCh38, chr1:240,207,944, plus strand): 5'-TCTACCCGGAGCGGGCATACCCCCTCCGCCCCCACTTCCCGGAGCGGGCATACCCCCTCC[G>A]CCCCCACTTCCCGGAGCGGGCATACCCCCTCCTCCCCCTCTTCCCGGAGCGGGCATACCT-3'
Protein context (NP_064450.3, residues 1034-1054): PPLPGAGIPP[Pro1044=]PPLPGAGIPP

ClinVar aggregate classification (germline): Likely benign (1 of 4 stars; one submission).

Submission:

CeGaT Center for Human Genetics Tuebingen
Classification: Likely benign. Last evaluated: 2025-11-01. Review status: criteria provided, single submitter. Criteria: CeGaT Center For Human Genetics Tuebingen Variant Classification Criteria Version 2. Collection method: clinical testing. Allele origin: germline. Affected: yes. Observed: 4 variant alleles.
Comment: FMN2: PM2:Supporting, BP4, BP7